The following is an entry in ClinVar:

ClinVar aggregate classification (germline): Likely benign. Review status: criteria provided, multiple submitters, no conflicts (2 of 4 stars). 2 submissions from 2 submitters: Likely benign (2). Last evaluated 2026-06-01.

Conditions:
Granulomatous disease, chronic, autosomal recessive, cytochrome b-negative. Also called: Chronic granulomatous disease, autosomal, due to deficiency of CYBA; GRANULOMATOUS DISEASE, CHRONIC, AUTOSOMAL RECESSIVE, 4; CGD DUE TO DEFICIENCY OF THE ALPHA SUBUNIT OF CYTOCHROME b; CGD, AUTOSOMAL RECESSIVE CYTOCHROME b-NEGATIVE; CYBA DEFICIENCY. Identifiers: Orphanet 379, MedGen C1856255, MONDO:0009308, OMIM 233690.

Allele frequency attached by ClinVar (database versions not stated): gnomAD exomes 0.00001.
gnomAD v4.1: 4 of 1,556,864 alleles (0.00026%); highest among the groups gnomAD compares: East Asian, 0.0048%; no homozygotes.

Submissions (2):

CeGaT Center for Human Genetics Tuebingen
Classification: Likely benign. Last evaluated: 2026-06-01. Review status: criteria provided, single submitter. Criteria: CeGaT Center For Human Genetics Tuebingen Variant Classification Criteria Version 2. Collection method: clinical testing. Allele origin: germline. Affected: yes. Observed: 1 variant allele.
Comment: CYBA: BP4, BP7

Labcorp Genetics (formerly Invitae), Labcorp
Classification: Likely benign for Granulomatous disease, chronic, autosomal recessive, cytochrome b-negative. Last evaluated: 2025-09-09. Review status: criteria provided, single submitter. Criteria: Invitae Variant Classification Sherloc (09022015). Collection method: clinical testing. Allele origin: germline.

NM_000101.4(CYBA):c.351G>A (p.Ala117=)

Gene: CYBA (cytochrome b-245 alpha chain; minus strand). Cytogenetic location: 16q24.2.
Variant type: single nucleotide variant.
Coding change: c.351G>A on transcript NM_000101.4 (MANE Select); coding-DNA position 351, G replaced by A.
Protein change: p.Ala117=; no amino-acid change (alanine 117 retained).
Molecular consequence: synonymous variant.
Genome position (GRCh38, 1-based): chr16:88,646,134, C>T on the plus strand (G>A on the coding strand, the complement: CYBA is on the minus strand). VCF-style: chr16-88646134-C-T. GRCh37 (hg19) VCF-style: chr16-88712542-C-T.
Identifiers: ClinVar variation 1097723 (VCV001097723.11), dbSNP rs746239603, ClinGen allele CA397062867.